The following is an entry in ClinVar:

ClinVar aggregate classification (germline): Likely benign (1 of 4 stars; one submission).

Submission:

CeGaT Center for Human Genetics Tuebingen
Classification: Likely benign. Last evaluated: 2023-11-01. Review status: criteria provided, single submitter. Criteria: CeGaT Center For Human Genetics Tuebingen Variant Classification Criteria Version 2. Collection method: clinical testing. Allele origin: germline. Affected: yes. Observed: 1 variant allele.
Comment: TTN: PM2:Supporting, BP4, BP7

NM_001267550.2(TTN):c.11312-5569C>T

Genes: TTN (titin; minus strand), LOC126806432 (CDK7 strongly-dependent group 2 enhancer GRCh37_chr2:179611985-179613184; plus strand). Cytogenetic location: 2q31.2.
Variant type: single nucleotide variant.
Coding change: c.11312-5569C>T on transcript NM_001267550.2 (MANE Select); 5569 bases into the intron before coding-DNA position 11312, C replaced by T.
Molecular consequence: intron variant. On other transcripts: synonymous variant (1).
Genome position (GRCh38, 1-based): chr2:178,747,490, G>A on the plus strand (C>T on the coding strand, the complement: TTN is on the minus strand). VCF-style: chr2-178747490-G-A. GRCh37 (hg19) VCF-style: chr2-179612217-G-A.
Other names: c.14910C>T, p.Ser4970= (NM_133379.5); c.10223-5569C>T (NM_003319.4); c.10799-5569C>T (NM_133437.4); c.10598-5569C>T (NM_133432.3); c.10360+5634C>T (NM_133378.4); c.10361-5569C>T (NM_001256850.1).
Identifiers: ClinVar variation 2672850 (VCV002672850.23), dbSNP rs2531133571, ClinGen allele CA2695197007.
Genomic context (GRCh38, chr2:178,747,490, plus strand): 5'-TGGGGTATAAAACTGATCTAACTCAGATATTTCTTCACTGGTTGTACTTCCCACACCAAT[G>A]GAAATGTCAGACTCAGGAGAAAGTGGACGACCTAGTGATTCCTGTTTCTGGTTGTAGTAT-3'